The following is an entry in ClinVar:

NM_014974.3(DIP2C):c.698C>T (p.Ala233Val)

Gene: DIP2C (DIP2 acetate--CoA ligase C (putative); minus strand). Cytogenetic location: 10p15.3.
Variant type: single nucleotide variant.
Coding change: c.698C>T on transcript NM_014974.3 (MANE Select); coding-DNA position 698, C replaced by T.
Protein change: p.Ala233Val; replaces alanine 233 with valine.
Molecular consequence: missense variant.
Genome position (GRCh38, 1-based): chr10:419,106, G>A on the plus strand (C>T on the coding strand, the complement: DIP2C is on the minus strand). VCF-style: chr10-419106-G-A. GRCh37 (hg19) VCF-style: chr10-465046-G-A.
Other names: c.698C>T (NM_014974.2); short protein forms A233V.
Identifiers: ClinVar variation 1345487 (VCV001345487.8), dbSNP rs77328768, ClinGen allele CA5381232.

ClinVar aggregate classification (germline): Likely benign. Review status: criteria provided, single submitter (1 of 4 stars). 2 submissions from 2 submitters: Likely benign (1). 1 of the submissions does not count toward it. Last evaluated 2025-12-06.

Conditions:
DIP2C-related disorder. Also called: DIP2C-related condition.

Allele frequency attached by ClinVar (database versions not stated): gnomAD exomes 0.00008 and 0.00018; ExAC 0.00021; 1000 Genomes Project 0.00060; TOPMed 0.00065; gnomAD 0.00067 and 0.00072; 1000 Genomes Project 30x 0.00078; ESP Exome Variant Server 0.00100.
gnomAD v4.1: 230 of 1,614,266 alleles (0.014%); highest among the groups gnomAD compares: African/African-American, 0.21%; 1 homozygote.

Submissions (2):

Labcorp Genetics (formerly Invitae), Labcorp
Classification: Likely benign. Last evaluated: 2025-12-06. Review status: criteria provided, single submitter. Criteria: Invitae Variant Classification Sherloc (09022015). Collection method: clinical testing. Allele origin: germline.

PreventionGenetics, part of Exact Sciences
Classification: Likely benign for DIP2C-related condition. Last evaluated: 2022-09-07. Review status: no assertion criteria provided. Collection method: clinical testing. Allele origin: germline. Not counted in ClinVar's aggregate classification.
Comment: This variant is classified as likely benign based on ACMG/AMP sequence variant interpretation guidelines (Richards et al. 2015 PMID: 25741868, with internal and published modifications).